The following is an entry in ClinVar:

NM_001386140.1(MTTP):c.1031T>A (p.Ile344Asn)

Gene: MTTP (microsomal triglyceride transfer protein; plus strand). Cytogenetic location: 4q23.
Variant type: single nucleotide variant.
Coding change: c.1031T>A on transcript NM_001386140.1 (MANE Select); coding-DNA position 1031, T replaced by A.
Protein change: p.Ile344Asn; replaces isoleucine 344 with asparagine.
Molecular consequence: missense variant.
Genome position (GRCh38, 1-based): chr4:99,597,188, T>A. VCF-style: chr4-99597188-T-A. GRCh37 (hg19) VCF-style: chr4-100518345-T-A.
Other names: c.1031T>A, p.Ile344Asn (NM_000253.4); c.782T>A, p.Ile261Asn (NM_001300785.2); short protein forms I344N, I261N.
Identifiers: ClinVar variation 1942445 (VCV001942445.2), dbSNP rs1725578527, ClinGen allele CA357507018.

ClinVar aggregate classification (germline): Uncertain significance (1 of 4 stars; one submission).

Allele frequency attached by ClinVar (database versions not stated): TOPMed below 0.00001.
gnomAD v4.1: 2 of 1,613,910 alleles (0.00012%); highest among the groups gnomAD compares: Non-Finnish European, 0.00017%; no homozygotes.

Submission:

Labcorp Genetics (formerly Invitae), Labcorp
Classification: Uncertain significance. Last evaluated: 2022-08-13. Review status: criteria provided, single submitter. Criteria: Invitae Variant Classification Sherloc (09022015). Collection method: clinical testing. Allele origin: germline.
Comment: This sequence change replaces isoleucine, which is neutral and non-polar, with asparagine, which is neutral and polar, at codon 344 of the MTTP protein (p.Ile344Asn). This variant is not present in population databases (gnomAD no frequency). This variant has not been reported in the literature in individuals affected with MTTP-related conditions. Algorithms developed to predict the effect of missense changes on protein structure and function (SIFT, PolyPhen-2, Align-GVGD) all suggest that this variant is likely to be disruptive. In summary, the available evidence is currently insufficient to determine the role of this variant in disease. Therefore, it has been classified as a Variant of Uncertain Significance.